The following is an entry in ClinVar:

NM_015910.7(WDPCP):c.1922T>G (p.Leu641Arg)

Gene: WDPCP (WD repeat containing planar cell polarity effector; minus strand). Cytogenetic location: 2p15.
Variant type: single nucleotide variant.
Coding change: c.1922T>G on transcript NM_015910.7 (MANE Select); coding-DNA position 1922, T replaced by G.
Protein change: p.Leu641Arg; replaces leucine 641 with arginine.
Molecular consequence: missense variant. On other transcripts: non-coding transcript variant (3).
Genome position (GRCh38, 1-based): chr2:63,174,826, A>C on the plus strand (T>G on the coding strand, the complement: WDPCP is on the minus strand). VCF-style: chr2-63174826-A-C. GRCh37 (hg19) VCF-style: chr2-63401961-A-C.
Other names: c.1445T>G, p.Leu482Arg (NM_001042692.3); c.1850T>G, p.Leu617Arg (NM_001354044.2); short protein forms L482R, L641R, L617R.
Identifiers: ClinVar variation 1042887 (VCV001042887.8), dbSNP rs1673680183, ClinGen allele CA347056890.
Genomic context (GRCh38, chr2:63,174,826, plus strand): 5'-GGTGCTAAAGACAGGCCAATAAATGCTTCATTTAGCATATCCCCTCTGTCCAAGGGTCCC[A>C]GGAGTTCTGTTGAAAATGATTAATATGTGAGTGAAATACTAAGTACAATTTCTGCTAACT-3'
Protein context (NP_056994.3, residues 631-651): AESITSGVEL[Leu641Arg]GPLDRGDMLN

ClinVar aggregate classification (germline): Uncertain significance (1 of 4 stars; one submission).

Conditions:
Bardet-Biedl syndrome (BBS). Identifiers: Orphanet 110, MedGen C0752166, MONDO:0015229.

Submission:

Labcorp Genetics (formerly Invitae), Labcorp
Classification: Uncertain significance for Bardet-Biedl syndrome. Last evaluated: 2022-09-01. Review status: criteria provided, single submitter. Criteria: Invitae Variant Classification Sherloc (09022015). Collection method: clinical testing. Allele origin: germline.
Comment: In summary, the available evidence is currently insufficient to determine the role of this variant in disease. Therefore, it has been classified as a Variant of Uncertain Significance. Algorithms developed to predict the effect of missense changes on protein structure and function are either unavailable or do not agree on the potential impact of this missense change (SIFT: "Tolerated"; PolyPhen-2: "Possibly Damaging"; Align-GVGD: "Class C0"). ClinVar contains an entry for this variant (Variation ID: 1042887). This variant has not been reported in the literature in individuals affected with WDPCP-related conditions. This variant is not present in population databases (gnomAD no frequency). This sequence change replaces leucine, which is neutral and non-polar, with arginine, which is basic and polar, at codon 641 of the WDPCP protein (p.Leu641Arg).